The following is an entry in ClinVar:

ClinVar aggregate classification (germline): Uncertain significance. Review status: criteria provided, single submitter (1 of 4 stars). 2 submissions from 2 submitters: Uncertain significance (1). 1 of the submissions does not count toward it. Last evaluated 2017-02-10.

Conditions:
Neuronal ceroid lipofuscinosis 1 (CLN1). Also called: CEROID LIPOFUSCINOSIS, NEURONAL, 1, VARIABLE AGE AT ONSET; PPT1-Related Neuronal Ceroid-Lipofuscinosis. Identifiers: Orphanet 228329, MedGen C1850451, MONDO:0009744, OMIM 256730.

Allele frequency attached by ClinVar (database versions not stated): ExAC 0.00001; gnomAD 0.00001; gnomAD exomes 0.00001.

Submissions (2):

GeneDx
Classification: Uncertain significance. Last evaluated: 2017-02-10. Review status: criteria provided, single submitter. Criteria: GeneDx Variant Classification (06012015). Collection method: clinical testing. Allele origin: germline. Affected: yes.
Comment: A variant of uncertain significance has been identified in the PPT1 gene. The M112L variant has not been published as a pathogenic variant, nor has it been reported as a benign variant to our knowledge. The M112L variant is not observed at a significant frequency in large population cohorts (Lek et al., 2016; 1000 Genomes Consortium et al., 2015; Exome Variant Server). Multiple missense variants in nearby residues have been reported in Human Gene Mutation Database in association with neuronal ceroid lipofuscinosis (NCL) (Stenson et al., 2014), supporting the functional importance of this region of the protein. However, the M112L variant is a conservative amino acid substitution, which is not likely to impact secondary protein structure as these residues share similar properties, and this substitution occurs at a position where amino acids with similar properties to Methionine are tolerated across species. In silico analysis is inconsistent in its predictions as to whether or not the variant is damaging to the protein structure/function. Therefore, based on the currently available information, it is unclear whether this variant is a pathogenic variant or a rare benign variant.

Natera, Inc.
Classification: Uncertain significance for Neuronal ceroid lipofuscinosis 1. Last evaluated: 2019-11-11. Review status: no assertion criteria provided. Collection method: clinical testing. Allele origin: germline. Not counted in ClinVar's aggregate classification.

NM_000310.4(PPT1):c.334A>T (p.Met112Leu)

Gene: PPT1 (palmitoyl-protein thioesterase 1; minus strand). Cytogenetic location: 1p34.2.
Variant type: single nucleotide variant.
Coding change: c.334A>T on transcript NM_000310.4 (MANE Select); coding-DNA position 334, A replaced by T.
Protein change: p.Met112Leu; replaces methionine 112 with leucine.
Molecular consequence: missense variant. On other transcripts: intron variant (1).
Genome position (GRCh38, 1-based): chr1:40,092,073, T>A on the plus strand (A>T on the coding strand, the complement: PPT1 is on the minus strand). VCF-style: chr1-40092073-T-A. GRCh37 (hg19) VCF-style: chr1-40557745-T-A.
Other names: c.334A>T, p.Met112Leu (NM_001363695.2); c.125-2561A>T (NM_001142604.2); short protein forms M112L.
Identifiers: ClinVar variation 423512 (VCV000423512.3), dbSNP rs760532726, ClinGen allele CA789746.